The following is an entry in ClinVar:

NM_001171613.2(PREPL):c.971G>T (p.Arg324Leu)

Gene: PREPL (prolyl endopeptidase like; minus strand). Cytogenetic location: 2p21.
Variant type: single nucleotide variant.
Coding change: c.971G>T on transcript NM_001171613.2 (MANE Select); coding-DNA position 971, G replaced by T.
Protein change: p.Arg324Leu; replaces arginine 324 with leucine.
Molecular consequence: missense variant. On other transcripts: intron variant (1).
Genome position (GRCh38, 1-based): chr2:44,332,574, C>A on the plus strand (G>T on the coding strand, the complement: PREPL is on the minus strand). VCF-style: chr2-44332574-C-A. GRCh37 (hg19) VCF-style: chr2-44559713-C-A.
Other names: c.1238G>T, p.Arg413Leu (NM_006036.4, NM_001171603.1, NM_001171606.2 and 2 more transcripts); c.1052G>T, p.Arg351Leu (NM_001042385.2); c.971G>T, p.Arg324Leu (NM_001171617.1, NM_001374277.1); c.1156-3462G>T (NM_001042386.2); short protein forms R351L, R413L, R324L.
Identifiers: ClinVar variation 942971 (VCV000942971.10), dbSNP rs374093145, ClinGen allele CA46541274.
Genomic context (GRCh38, chr2:44,332,574, plus strand): 5'-TGCCCAGTTTCCTCAAACAGTTTGCCTTCTGCAAACTTGTATGTGTAATATTTTGGGGGA[C>A]GTATTGGAGAGCAAAGTTGAAAGGGGCAGTTCTTTGGGTCAGAATTTGTATCCATTATGA-3'
Protein context (NP_001165084.1, residues 314-334): NCPFQLCSPI[Arg324Leu]PPKYYTYKFA

ClinVar aggregate classification (germline): Uncertain significance. Review status: criteria provided, multiple submitters, no conflicts (2 of 4 stars). 2 submissions from 2 submitters: Uncertain significance (2). Last evaluated 2025-08-09.

Conditions:
Myasthenic syndrome, congenital, 22 (CMS22). Also called: PREPL DEFICIENCY. Identifiers: MedGen C4479088, MONDO:0044299, OMIM 616224.
Inborn genetic diseases. Identifiers: MedGen C0950123, MeSH D030342.

Allele frequency attached by ClinVar (database versions not stated): TOPMed 0.00002; ESP Exome Variant Server 0.00008.
gnomAD v4.1: 6 of 1,613,484 alleles (0.00037%); highest among the groups gnomAD compares: Non-Finnish European, 0.00051%; no homozygotes.

Submissions (2):

Ambry Genetics
Classification: Uncertain significance for Inborn genetic diseases. Last evaluated: 2025-08-09. Review status: criteria provided, single submitter. Criteria: Ambry Variant Classification Scheme 2023. Collection method: clinical testing. Allele origin: germline.

Labcorp Genetics (formerly Invitae), Labcorp
Classification: Uncertain significance for Myasthenic syndrome, congenital, 22. Last evaluated: 2024-10-22. Review status: criteria provided, single submitter. Criteria: Invitae Variant Classification Sherloc (09022015). Collection method: clinical testing. Allele origin: germline.
Comment: This sequence change replaces arginine, which is basic and polar, with leucine, which is neutral and non-polar, at codon 413 of the PREPL protein (p.Arg413Leu). This variant is not present in population databases (gnomAD no frequency). This variant has not been reported in the literature in individuals affected with PREPL-related conditions. ClinVar contains an entry for this variant (Variation ID: 942971). Invitae Evidence Modeling of protein sequence and biophysical properties (such as structural, functional, and spatial information, amino acid conservation, physicochemical variation, residue mobility, and thermodynamic stability) indicates that this missense variant is not expected to disrupt PREPL protein function with a negative predictive value of 80%. In summary, the available evidence is currently insufficient to determine the role of this variant in disease. Therefore, it has been classified as a Variant of Uncertain Significance.